The following is an entry in ClinVar:

ClinVar aggregate classification (germline): Pathogenic/Likely pathogenic. Review status: criteria provided, multiple submitters, no conflicts (2 of 4 stars). 10 submissions from 10 submitters: Pathogenic (1); Likely pathogenic (8). 1 of the submissions does not count toward it. Last evaluated 2026-07-01.

Conditions:
BRIP1-related disorder. Also called: BRIP1-related condition; BRIP1-related disorders. Identifiers: MedGen CN239206.
Hereditary cancer-predisposing syndrome. Also called: Hereditary neoplastic syndrome; Tumor predisposition; Neoplastic Syndromes, Hereditary; Hereditary Cancer Syndrome. Identifiers: Orphanet 140162, MedGen C0027672, MeSH D009386, MONDO:0015356.
Fanconi anemia complementation group J. Also called: BRIP1-Related Fanconi Anemia. Identifiers: Orphanet 84, MedGen C1836860, MONDO:0012187, OMIM 609054.
Familial cancer of breast. Also called: hereditary breast carcinoma; BREAST CANCER, FAMILIAL; Hereditary breast cancer. Identifiers: Orphanet 227535, MedGen C0346153, MONDO:0016419, OMIM 114480. Disease mechanism: loss of function.
Hereditary breast ovarian cancer syndrome. Also called: Hereditary breast and ovarian cancer syndrome; Hereditary breast and ovarian cancer syndrome (HBOC); Hereditary breast and ovarian cancer; Breast and ovarian cancer; BRCA1- and BRCA2-Associated Hereditary Breast and Ovarian Cancer; Hereditary breast and/or ovarian cancer syndrome. Identifiers: Orphanet 145, MedGen C0677776, MeSH D061325, MONDO:0003582. Disease mechanism: loss of function.

Allele frequency attached by ClinVar (database versions not stated): gnomAD exomes below 0.00001 and 0.00001; TOPMed below 0.00001; ExAC 0.00001.
gnomAD v4.1: 11 of 1,611,186 alleles (0.00068%); highest among the groups gnomAD compares: Non-Finnish European, 0.00093%; no homozygotes.

Submissions (10):

PreventionGenetics, part of Exact Sciences
Classification: Likely pathogenic for BRIP1-related condition. Last evaluated: 2026-07-01. Review status: criteria provided, single submitter. Criteria: ACMG Guidelines, 2015. Collection method: clinical testing. Allele origin: germline.
Comment: The BRIP1 c.1628+5G>A variant is predicted to interfere with splicing. To our knowledge, this variant has not been reported in the literature. RNA studies showed that this variant causes aberrant splicing which would negatively impact BRIP1 function (external communication). This variant is reported in 0.00088% of alleles in individuals of European (Non-Finnish) descent in gnomAD. This variant is interpreted as likely pathogenic and pathogenic in ClinVar (Variation ID: 461078). This variant is interpreted as likely pathogenic.

Color Diagnostics, LLC DBA Color Health
Classification: Likely pathogenic for Hereditary cancer-predisposing syndrome. Last evaluated: 2025-10-06. Review status: criteria provided, single submitter. Criteria: ACMG Guidelines, 2015. Collection method: clinical testing. Allele origin: germline.
Comment: This variant causes a G to A nucleotide substitution at the +5 position of intron 11 of the BRIP1 gene. A study using RNA from carrier-derived cells has reported that this variant leads to the skipping of exon 11, creating a premature translation stop signal in the RNA transcript (Leiden Open Variation Database variant number: 0000115868). The aberrant transcript is expected to result in an absent or non-functional protein product. Abnormal RNA splicing resulting from this variant has also been reported in ClinVar (ClinVar Variation ID: 461078communication with an external laboratory). This variant has been reported in individuals affected with ovarian cancer or breast cancer (LOVDColor Health internal data). This variant has been identified in 1/251154 chromosomes in the general population by the Genome Aggregation Database (gnomAD). Loss of BRIP1 function is a known mechanism of disease. Based on the available evidence, this variant is classified as Likely Pathogenic.

Labcorp Genetics (formerly Invitae), Labcorp
Classification: Pathogenic for Familial cancer of breast; Fanconi anemia complementation group J. Last evaluated: 2025-09-30. Review status: criteria provided, single submitter. Criteria: Invitae Variant Classification Sherloc (09022015). Collection method: clinical testing. Allele origin: germline.
Comment: This sequence change falls in intron 11 of the BRIP1 gene. It does not directly change the encoded amino acid sequence of the BRIP1 protein. RNA analysis indicates that this variant induces altered splicing and may result in an absent or altered protein product. This variant is present in population databases (rs754929230, gnomAD 0.0009%). This variant has not been reported in the literature in individuals affected with BRIP1-related conditions. ClinVar contains an entry for this variant (Variation ID: 461078). Variants that disrupt the consensus splice site are a relatively common cause of aberrant splicing (PMID: 17576681, 9536098). Studies have shown that this variant results in skipping of exon 11, and produces a non-functional protein and/or introduces a premature termination codon (internal data). For these reasons, this variant has been classified as Pathogenic.

Revvity Omics, Revvity
Classification: Likely pathogenic for Fanconi anemia complementation group J. Last evaluated: 2025-08-12. Review status: criteria provided, single submitter. Criteria: ACMG Guidelines, 2015. Collection method: clinical testing. Allele origin: germline.

Ambry Genetics
Classification: Likely pathogenic for Hereditary cancer-predisposing syndrome. Last evaluated: 2025-07-17. Review status: criteria provided, single submitter. Criteria: Ambry Variant Classification Scheme 2023. Collection method: clinical testing. Allele origin: germline.
Comment: The c.1628+5G>A intronic variant results from a G to A substitution 5 nucleotides after coding exon 10 in the BRIP1 gene. This nucleotide position is well conserved in available vertebrate species. In silico splice site analysis predicts that this alteration will weaken the native splice donor site. RNA studies have demonstrated that this alteration results in abnormal splicing in the set of samples tested (Ambry internal data). Based on the majority of available evidence to date, this variant is likely to be pathogenic.

Women's Health and Genetics/Laboratory Corporation of America, LabCorp
Classification: Likely pathogenic for Hereditary breast ovarian cancer syndrome. Last evaluated: 2024-11-19. Review status: criteria provided, single submitter. Criteria: LabCorp Variant Classification Summary - May 2015. Collection method: clinical testing. Allele origin: germline.
Comment: Variant summary: BRIP1 c.1628+5G>A alters a conserved nucleotide located close to a canonical splice site and therefore could affect mRNA splicing, leading to a significantly altered protein sequence. Several computational tools predict a significant impact on normal splicing: Two predict the variant weakens the canonical 5' splicing donor site. One predict the variant no significant impact on splicing. In-house RNA analysis performed at our partner laboratory has provided experimental evidence that this variant affects mRNA splicing resulting in an out of frame skipping of exon 11 (internal data). The variant allele was found at a frequency of 4e-06 in 251154 control chromosomes. To our knowledge, no occurrence of c.1628+5G>A in individuals affected with Hereditary Breast And Ovarian Cancer Syndrome has been reported. ClinVar contains an entry for this variant (Variation ID: 461078). Based on the evidence outlined above, the variant was classified as likely pathogenic.

GeneDx
Classification: Likely pathogenic. Last evaluated: 2024-11-14. Review status: criteria provided, single submitter. Criteria: GeneDx Variant Classification Process June 2021. Collection method: clinical testing. Allele origin: germline. Affected: yes.
Comment: RNA studies demonstrate aberrant splicing (External communication with Ambry Genetics); Not observed at significant frequency in large population cohorts (gnomAD); In silico analysis supports a deleterious effect on splicing; Has not been previously published as pathogenic or benign to our knowledge

Baylor Genetics
Classification: Likely pathogenic for Familial cancer of breast. Last evaluated: 2024-01-22. Review status: criteria provided, single submitter. Criteria: ACMG Guidelines, 2015. Collection method: clinical testing. Allele origin: unknown.

Juno Genomics, Hangzhou Juno Genomics, Inc
Classification: Likely pathogenic for Familial cancer of breast; Fanconi anemia complementation group J. Review status: criteria provided, single submitter. Criteria: ACMG Guidelines, 2015. Collection method: clinical testing. Allele origin: germline.
Comment: Absent from controls (or at extremely low frequency if recessive) in Genome Aggregation Database.;Null variant in a gene where loss of function (LOF) is a known mechanism of disease.

Leiden Open Variation Database
Classification: Pathogenic. Last evaluated: 2016-06-11. Review status: no assertion criteria provided. Collection method: curation. Allele origin: germline. Affected: yes. Not counted in ClinVar's aggregate classification.
Comment: Curator: Arleen D. Auerbach. Submitter to LOVD: Andreas Laner.

Literature cited by the submitters: PubMed 17576681 (cited by Labcorp Genetics (formerly Invitae), Labcorp); PubMed 9536098 (cited by Labcorp Genetics (formerly Invitae), Labcorp).

NM_032043.3(BRIP1):c.1628+5G>A

Gene: BRIP1 (BRCA1 interacting DNA helicase 1; minus strand). Cytogenetic location: 17q23.2.
Variant type: single nucleotide variant.
Coding change: c.1628+5G>A on transcript NM_032043.3 (MANE Select); 5 bases into the intron after coding-DNA position 1628, G replaced by A.
Molecular consequence: intron variant.
Genome position (GRCh38, 1-based): chr17:61,784,265, C>T on the plus strand (G>A on the coding strand, the complement: BRIP1 is on the minus strand). VCF-style: chr17-61784265-C-T. GRCh37 (hg19) VCF-style: chr17-59861626-C-T.
Identifiers: ClinVar variation 461078 (VCV000461078.41), dbSNP rs754929230, ClinGen allele CA8690711.